The following is an entry in ClinVar:

ClinVar aggregate classification (germline): Conflicting classifications of pathogenicity. Review status: criteria provided, conflicting classifications (1 of 4 stars). 2 submissions from 2 submitters: Uncertain significance (1); Likely benign (1). Last evaluated 2025-04-25.

Allele frequency attached by ClinVar (database versions not stated): ExAC 0.00004; gnomAD 0.00005; TOPMed 0.00005; gnomAD exomes 0.00009; ESP Exome Variant Server 0.00015.
gnomAD v4.1: 138 of 1,614,062 alleles (0.0085%); highest among the groups gnomAD compares: Non-Finnish European, 0.011%; no homozygotes.

Submissions (2):

Ambry Genetics
Classification: Uncertain significance. Last evaluated: 2025-04-25. Review status: criteria provided, single submitter. Criteria: Ambry Variant Classification Scheme 2023. Collection method: clinical testing. Allele origin: germline.

CeGaT Center for Human Genetics Tuebingen
Classification: Likely benign. Last evaluated: 2024-03-01. Review status: criteria provided, single submitter. Criteria: CeGaT Center For Human Genetics Tuebingen Variant Classification Criteria Version 2. Collection method: clinical testing. Allele origin: germline. Affected: yes. Observed: 1 variant allele.
Comment: KAT5: PP2, BS2

NM_182710.3(KAT5):c.1562T>C (p.Met521Thr)

Genes: KAT5 (lysine acetyltransferase 5; plus strand), RNASEH2C (ribonuclease H2 subunit C; minus strand). Cytogenetic location: 11q13.1.
Variant type: single nucleotide variant.
Coding change: c.1562T>C on transcript NM_182710.3 (MANE Select); coding-DNA position 1562, T replaced by C.
Protein change: p.Met521Thr; replaces methionine 521 with threonine.
Molecular consequence: missense variant. On other transcripts: 3 prime UTR variant (1).
Genome position (GRCh38, 1-based): chr11:65,719,102, T>C. VCF-style: chr11-65719102-T-C. GRCh37 (hg19) VCF-style: chr11-65486573-T-C.
Other names: c.1562T>C (NM_182710.2); c.1406T>C, p.Met469Thr (NM_001206833.2); c.1463T>C, p.Met488Thr (NM_006388.4); c.1307T>C, p.Met436Thr (NM_182709.3); c.*681A>G (NM_032193.4); short protein forms M436T, M469T, M488T, M521T.
Identifiers: ClinVar variation 3067592 (VCV003067592.21), dbSNP rs145568166, ClinGen allele CA6107561.